The following is an entry in ClinVar:

ClinVar aggregate classification (germline): Uncertain significance (1 of 4 stars; one submission).

Submission:

Labcorp Genetics (formerly Invitae), Labcorp
Classification: Uncertain significance. Last evaluated: 2025-04-11. Review status: criteria provided, single submitter. Criteria: Invitae Variant Classification Sherloc (09022015). Collection method: clinical testing. Allele origin: germline.
Comment: This sequence change replaces proline, which is neutral and non-polar, with serine, which is neutral and polar, at codon 1007 of the COL11A2 protein (p.Pro1007Ser). This variant is not present in population databases (gnomAD no frequency). This variant has not been reported in the literature in individuals affected with COL11A2-related conditions. Invitae Evidence Modeling of protein sequence and biophysical properties (such as structural, functional, and spatial information, amino acid conservation, physicochemical variation, residue mobility, and thermodynamic stability) indicates that this missense variant is not expected to disrupt COL11A2 protein function with a negative predictive value of 95%. In summary, the available evidence is currently insufficient to determine the role of this variant in disease. Therefore, it has been classified as a Variant of Uncertain Significance.

NM_080680.3(COL11A2):c.3019C>T (p.Pro1007Ser)

Gene: COL11A2 (collagen type XI alpha 2 chain; minus strand). Cytogenetic location: 6p21.32.
Variant type: single nucleotide variant.
Coding change: c.3019C>T on transcript NM_080680.3 (MANE Select); coding-DNA position 3019, C replaced by T.
Protein change: p.Pro1007Ser; replaces proline 1007 with serine.
Molecular consequence: missense variant.
Genome position (GRCh38, 1-based): chr6:33,172,073, G>A on the plus strand (C>T on the coding strand, the complement: COL11A2 is on the minus strand). VCF-style: chr6-33172073-G-A. GRCh37 (hg19) VCF-style: chr6-33139850-G-A.
Other names: c.2839C>T, p.Pro947Ser (NM_001424108.1); c.2173C>T, p.Pro725Ser (NM_001424109.1); c.1993C>T, p.Pro665Ser (NM_001424110.1, NM_001424111.1); c.973C>T, p.Pro325Ser (NM_001424112.1); c.2698C>T, p.Pro900Ser (NM_080679.3); c.2761C>T, p.Pro921Ser (NM_080681.3); short protein forms P1007S, P325S, P921S, P900S, P947S, P725S, P665S.
Identifiers: ClinVar variation 4764311 (VCV004764311.1).